The following is an entry in ClinVar:

ClinVar aggregate classification (germline): Uncertain significance (1 of 4 stars; one submission).

Submission:

Labcorp Genetics (formerly Invitae), Labcorp
Classification: Uncertain significance. Last evaluated: 2023-10-13. Review status: criteria provided, single submitter. Criteria: Invitae Variant Classification Sherloc (09022015). Collection method: clinical testing. Allele origin: germline.
Comment: This sequence change replaces glycine, which is neutral and non-polar, with serine, which is neutral and polar, at codon 1273 of the CAD protein (p.Gly1273Ser). This variant is not present in population databases (gnomAD no frequency). This variant has not been reported in the literature in individuals affected with CAD-related conditions. ClinVar contains an entry for this variant (Variation ID: 1714712). Advanced modeling of protein sequence and biophysical properties (such as structural, functional, and spatial information, amino acid conservation, physicochemical variation, residue mobility, and thermodynamic stability) performed at Invitae indicates that this missense variant is not expected to disrupt CAD protein function. In summary, the available evidence is currently insufficient to determine the role of this variant in disease. Therefore, it has been classified as a Variant of Uncertain Significance.

NM_004341.5(CAD):c.3817G>A (p.Gly1273Ser)

Gene: CAD (carbamoyl-phosphate synthetase 2, aspartate transcarbamylase, and dihydroorotase; plus strand). Cytogenetic location: 2p23.3.
Variant type: single nucleotide variant.
Coding change: c.3817G>A on transcript NM_004341.5 (MANE Select); coding-DNA position 3817, G replaced by A.
Protein change: p.Gly1273Ser; replaces glycine 1273 with serine.
Molecular consequence: missense variant.
Genome position (GRCh38, 1-based): chr2:27,235,275, G>A. VCF-style: chr2-27235275-G-A. GRCh37 (hg19) VCF-style: chr2-27458143-G-A.
Other names: c.3628G>A, p.Gly1210Ser (NM_001306079.2); short protein forms G1210S, G1273S.
Identifiers: ClinVar variation 1714712 (VCV001714712.5), dbSNP rs2465337091, ClinGen allele CA346216862.